The following is an entry in ClinVar:

NM_000059.4(BRCA2):c.9341T>C (p.Ile3114Thr)

Gene: BRCA2 (BRCA2 DNA repair associated; plus strand). Cytogenetic location: 13q13.1.
Variant type: single nucleotide variant.
Coding change: c.9341T>C on transcript NM_000059.4 (MANE Select); coding-DNA position 9341, T replaced by C.
Protein change: p.Ile3114Thr; replaces isoleucine 3114 with threonine.
Molecular consequence: missense variant.
Genome position (GRCh38, 1-based): chr13:32,394,773, T>C. VCF-style: chr13-32394773-T-C. GRCh37 (hg19) VCF-style: chr13-32968910-T-C.
Other names: c.9245T>C, p.Ile3082Thr (NM_001406719.1); c.9290T>C, p.Ile3097Thr (NM_001406720.1); c.4409T>C, p.Ile1470Thr (NM_001406721.1); c.2924T>C, p.Ile975Thr (NM_001406722.1); short protein forms I3082T, I3114T, I1470T, I3097T, I975T.
Identifiers: ClinVar variation 1766638 (VCV001766638.2), dbSNP rs2137652853, ClinGen allele CA387761051.

ClinVar aggregate classification (germline): Uncertain significance (1 of 4 stars; one submission).

Conditions:
Hereditary cancer-predisposing syndrome. Also called: Hereditary Cancer Syndrome; Hereditary neoplastic syndrome; Neoplastic Syndromes, Hereditary; Tumor predisposition. Identifiers: Orphanet 140162, MedGen C0027672, MeSH D009386, MONDO:0015356.

Submission:

Ambry Genetics
Classification: Uncertain significance for Hereditary cancer-predisposing syndrome. Last evaluated: 2021-12-30. Review status: criteria provided, single submitter. Criteria: Ambry Variant Classification Scheme 2023. Collection method: clinical testing. Allele origin: germline.
Comment: The p.I3114T variant (also known as c.9341T>C), located in coding exon 24 of the BRCA2 gene, results from a T to C substitution at nucleotide position 9341. The isoleucine at codon 3114 is replaced by threonine, an amino acid with similar properties. This amino acid position is conserved. In addition, the in silico prediction for this alteration is inconclusive. Since supporting evidence is limited at this time, the clinical significance of this alteration remains unclear.